The following is an entry in ClinVar:

ClinVar aggregate classification (germline): Pathogenic (1 of 4 stars; one submission).

Conditions:
Hereditary breast ovarian cancer syndrome. Also called: BRCA1- and BRCA2-Associated Hereditary Breast and Ovarian Cancer; Hereditary breast and ovarian cancer; Hereditary breast and ovarian cancer syndrome (HBOC); Hereditary breast and/or ovarian cancer syndrome; Hereditary breast and ovarian cancer syndrome; Breast and ovarian cancer. Identifiers: Orphanet 145, MedGen C0677776, MeSH D061325, MONDO:0003582. Disease mechanism: loss of function.

Submission:

GeneKor MSA
Classification: Pathogenic for Hereditary breast ovarian cancer syndrome. Last evaluated: 2025-05-15. Review status: criteria provided, single submitter. Criteria: ACMG Guidelines, 2015. Collection method: clinical testing. Allele origin: germline. Affected: yes.
Comment: This is a single nucleotide insertion in exon 10 of the BRCA2 mRNA c.(1438dup). causing a frameshift after codon 480 and the creation of a premature translation stop signal 34 amino acid residues later p.(Cys480Leufs*34). This is expected to result in an absent or disrupted protein product. Truncating variants in BRCA2 are known to be pathogenic (PMID:20104584). This variant has not been described in mutation database ClinVar. Based on the classification criteria set by the ACMG and AMP (PMID:25741868) this variant has been classified as pathogenic.

Literature cited by the submitters: PubMed 20104584.

NM_000059.4(BRCA2):c.1438dup (p.Cys480fs)

Gene: BRCA2 (BRCA2 DNA repair associated; plus strand). Cytogenetic location: 13q13.1.
Variant type: Duplication.
Coding change: c.1438dup on transcript NM_000059.4 (MANE Select); coding-DNA position 1438, one base duplicated (T; older notation c.1438dupT).
Protein change: p.Cys480fs; shifts the reading frame from cysteine 480.
Molecular consequence: frameshift variant. On other transcripts: non-coding transcript variant (1), intron variant (1).
Genome position (GRCh38, 1-based): chr13:32,332,916, T duplicated. VCF-style (leftmost placement, unchanged base first): chr13-32332915-C-CT. GRCh37 (hg19) VCF-style: chr13-32907052-C-CT.
Other names: c.1438dup, p.Cys480fs (NM_001406719.1, NM_001406720.1, NM_001406721.1 and 1 more transcripts); c.424+1886dup (NM_001406722.1); short protein forms C480fs.
Identifiers: ClinVar variation 4077044 (VCV004077044.1).